The following is an entry in ClinVar:

ClinVar aggregate classification (germline): Pathogenic. Review status: reviewed by expert panel (3 of 4 stars). 16 submissions from 16 submitters: Pathogenic (1). 15 of the submissions do not count toward it. Last evaluated 2016-09-08.

Conditions:
Hereditary breast ovarian cancer syndrome. Also called: Hereditary breast and ovarian cancer syndrome; Hereditary breast and ovarian cancer; Hereditary breast and ovarian cancer syndrome (HBOC); Breast and ovarian cancer; Hereditary breast and/or ovarian cancer syndrome; BRCA1- and BRCA2-Associated Hereditary Breast and Ovarian Cancer. Identifiers: Orphanet 145, MedGen C0677776, MeSH D061325, MONDO:0003582. Disease mechanism: loss of function.
Breast-ovarian cancer, familial, susceptibility to, 2 (BROVCA2). Also called: BRCA2 Hereditary Breast and Ovarian Cancer. Identifiers: Orphanet 145, MedGen C2675520, MONDO:0012933, OMIM 612555. Disease mechanism: loss of function.
BRCA2-related cancer predisposition. Identifiers: MedGen CN377758, MONDO:0700269.
Hereditary cancer-predisposing syndrome. Also called: Neoplastic Syndromes, Hereditary; Tumor predisposition; Hereditary Cancer Syndrome; Hereditary neoplastic syndrome. Identifiers: Orphanet 140162, MedGen C0027672, MeSH D009386, MONDO:0015356.
Familial cancer of breast. Also called: BREAST CANCER, FAMILIAL; Hereditary breast cancer; hereditary breast carcinoma. Identifiers: Orphanet 227535, MedGen C0346153, MONDO:0016419, OMIM 114480. Disease mechanism: loss of function.

Submissions 1 to 9 of 16:

Evidence-based Network for the Interpretation of Germline Mutant Alleles (ENIGMA)
Classification: Pathogenic for Breast-ovarian cancer, familial, susceptibility to, 2. Last evaluated: 2016-09-08. Review status: reviewed by expert panel. Criteria: ENIGMA BRCA1/2 Classification Criteria (2015). Collection method: curation. Allele origin: germline.
Comment: Variant allele predicted to encode a truncated non-functional protein.

Color Diagnostics, LLC DBA Color Health
Classification: Pathogenic for Hereditary cancer-predisposing syndrome. Last evaluated: 2025-10-21. Review status: criteria provided, single submitter. Criteria: ACMG Guidelines, 2015. Collection method: clinical testing. Allele origin: germline. Not counted in ClinVar's aggregate classification.
Comment: This variant changes 1 nucleotide in exon 10 of the BRCA2 gene, creating a premature translation stop signal. This variant is expected to result in an absent or non-functional protein product. This variant has been reported in at least seven individuals affected with breast and/or ovarian cancer (PMID: 14985394, 17445839, 26681312, 32438681). This variant has not been identified in the general population by the Genome Aggregation Database (gnomAD). Loss of BRCA2 function is a known mechanism of disease. Based on the available evidence, this variant is classified as Pathogenic.

Labcorp Genetics (formerly Invitae), Labcorp
Classification: Pathogenic for Hereditary breast ovarian cancer syndrome. Last evaluated: 2025-10-06. Review status: criteria provided, single submitter. Criteria: Invitae Variant Classification Sherloc (09022015). Collection method: clinical testing. Allele origin: germline. Not counted in ClinVar's aggregate classification.
Comment: This sequence change creates a premature translational stop signal (p.Leu557*) in the BRCA2 gene. It is expected to result in an absent or disrupted protein product. Loss-of-function variants in BRCA2 are known to be pathogenic (PMID: 20104584). This variant is not present in population databases (gnomAD no frequency). This premature translational stop signal has been observed in individual(s) with breast cancer (PMID: 26681312). This variant is also known as 1898T>G. ClinVar contains an entry for this variant (Variation ID: 51170). For these reasons, this variant has been classified as Pathogenic.

GeneDx
Classification: Pathogenic. Last evaluated: 2025-03-17. Review status: criteria provided, single submitter. Criteria: GeneDx Variant Classification Process June 2021. Collection method: clinical testing. Allele origin: germline. Affected: yes. Not counted in ClinVar's aggregate classification.
Comment: Nonsense variant predicted to result in protein truncation or nonsense mediated decay in a gene for which loss of function is a known mechanism of disease; Observed in individuals with a personal or family history of breast and/or ovarian cancer (PMID: 14985394, 17445839, 29446198, 31336956); Not observed at significant frequency in large population cohorts (gnomAD); Truncating variants in this gene are considered pathogenic by a well-established clinical consortium and/or database; Also known as 1898T>G; This variant is associated with the following publications: (PMID: 29446198, 31336956, 30636012, 32438681, 36493725, 36881271, 28888541, 14985394, 25525159, 26681312, 26269718, 16683254, 17445839, 31209999, 32885271, 35886069, 34654685, 37864521)

Ambry Genetics
Classification: Pathogenic for Hereditary cancer-predisposing syndrome. Last evaluated: 2025-03-11. Review status: criteria provided, single submitter. Criteria: Ambry Variant Classification Scheme 2023. Collection method: clinical testing. Allele origin: germline. Not counted in ClinVar's aggregate classification.
Comment: The p.L557* pathogenic mutation (also known as c.1670T>G), located in coding exon 9 of the BRCA2 gene, results from a T to G substitution at nucleotide position 1670. This changes the amino acid from a leucine to a stop codon within coding exon 9. This pathogenic mutation has been reported in multiple HBOC families (Sermijn E et al. J. Med. Genet. 2004 Mar;41(3):e23; Rebbeck TR et al. Hum Mutat. 2018 05;39:593-620) and in a breast cancer patient who also had a VHL mutation (Susswein LR et al. Genet. Med. 2016 Aug;18(8):823-32). Of note, this alteration is also designated as 1898T>G in some published literature. This variant is considered to be rare based on population cohorts in the Genome Aggregation Database (gnomAD). In addition to the clinical data presented in the literature, this alteration is expected to result in loss of function by premature protein truncation or nonsense-mediated mRNA decay. As such, this alteration is interpreted as a disease-causing mutation.

Quest Diagnostics Nichols Institute San Juan Capistrano
Classification: Pathogenic. Last evaluated: 2024-09-29. Review status: criteria provided, single submitter. Criteria: Quest Diagnostics criteria. Collection method: clinical testing. Allele origin: unknown. Not counted in ClinVar's aggregate classification.
Comment: The BRCA2 c.1670T>G (p.Leu557*) variant causes the premature termination of BRCA2 protein synthesis. This variant has been reported in the published literature in individuals with breast and or ovarian cancer (PMID: 36881271 (2023), 35886069 (2022), 32438681 (2020), 26681312 (2015)), renal cell carcinoma (PMID: 34654685 (2021)), neuroblastoma (PMID: 36493725 (2023)) and pancreatic cancer (PMID: 32885271 (2021)). This variant has not been reported in large, multi-ethnic general populations (Genome Aggregation Database). Based on the available information, this variant is classified as pathogenic.

All of Us Research Program, National Institutes of Health
Classification: Pathogenic for BRCA2-related cancer predisposition. Last evaluated: 2024-06-09. Review status: criteria provided, single submitter. Criteria: ACMG Guidelines, 2015. Collection method: clinical testing. Allele origin: germline. Inheritance: Autosomal dominant inheritance. Observed: 1 variant allele, 1 heterozygote. Not counted in ClinVar's aggregate classification.
Comment: This variant changes 1 nucleotide in exon 10 of the BRCA2 gene, creating a premature translation stop signal. This variant is expected to result in an absent or non-functional protein product. This variant has been reported in at least seven individuals affected with breast and/or ovarian cancer (PMID: 14985394, 17445839, 26681312, 32438681). This variant has not been identified in the general population by the Genome Aggregation Database (gnomAD). Loss of BRCA2 function is a known mechanism of disease. Based on the available evidence, this variant is classified as Pathogenic.

This study involves interpretation of variants in research participants for the purpose of population health screening. Participant phenotype was not available at the time of variant classification. Additional details can be found in publication PMID: 35346344, PMCID: PMC8962531

Women's Health and Genetics/Laboratory Corporation of America, LabCorp
Classification: Pathogenic for Hereditary breast ovarian cancer syndrome. Last evaluated: 2022-10-31. Review status: criteria provided, single submitter. Criteria: LabCorp Variant Classification Summary - May 2015. Collection method: clinical testing. Allele origin: germline. Not counted in ClinVar's aggregate classification.
Comment: Variant summary: BRCA2 c.1670T>G (p.Leu557X) results in a premature termination codon, predicted to cause a truncation of the encoded protein or absence of the protein due to nonsense mediated decay, which are commonly known mechanisms for disease. Truncations downstream of this position have been classified as pathogenic by our laboratory. The variant was absent in 251220 control chromosomes. c.1670T>G has been reported in the literature in multiple individuals affected with Hereditary Breast And Ovarian Cancer Syndrome (eg. Sermijn_2004, DeBrakeleer_2007, Susswein_2016, Santonocito_2020). These data indicate that the variant is very likely to be associated with disease. To our knowledge, no experimental evidence demonstrating an impact on protein function has been reported. Nine clinical diagnostic laboratories have submitted clinical-significance assessments for this variant to ClinVar after 2014 without evidence for independent evaluation. All laboratories classified the variant as pathogenic. Based on the evidence outlined above, the variant was classified as pathogenic.

Baylor Genetics
Classification: Pathogenic for Familial cancer of breast. Last evaluated: 2022-07-02. Review status: criteria provided, single submitter. Criteria: ACMG Guidelines, 2015. Collection method: clinical testing. Allele origin: unknown. Not counted in ClinVar's aggregate classification.

NM_000059.4(BRCA2):c.1670T>G (p.Leu557Ter)

Gene: BRCA2 (BRCA2 DNA repair associated; plus strand). Cytogenetic location: 13q13.1.
Variant type: single nucleotide variant.
Coding change: c.1670T>G on transcript NM_000059.4 (MANE Select); coding-DNA position 1670, T replaced by G.
Protein change: p.Leu557Ter; replaces leucine 557 with a stop codon.
Molecular consequence: nonsense.
Genome position (GRCh38, 1-based): chr13:32,333,148, T>G. VCF-style: chr13-32333148-T-G. GRCh37 (hg19) VCF-style: chr13-32907285-T-G.
Other names: p.L557*:TTA>TGA; 1898T>G; short protein forms L557*.
Identifiers: ClinVar variation 51170 (VCV000051170.38), dbSNP rs80358452, ClinGen allele CA012870.